The following is an entry in ClinVar:

NM_004336.5(BUB1):c.2524A>G (p.Lys842Glu)

Gene: BUB1 (BUB1 mitotic checkpoint serine/threonine kinase; minus strand). Cytogenetic location: 2q13.
Variant type: single nucleotide variant.
Coding change: c.2524A>G on transcript NM_004336.5 (MANE Select); coding-DNA position 2524, A replaced by G.
Protein change: p.Lys842Glu; replaces lysine 842 with glutamic acid.
Molecular consequence: missense variant.
Genome position (GRCh38, 1-based): chr2:110,641,743, T>C on the plus strand (A>G on the coding strand, the complement: BUB1 is on the minus strand). VCF-style: chr2-110641743-T-C. GRCh37 (hg19) VCF-style: chr2-111399320-T-C.
Other names: c.2464A>G, p.Lys822Glu (NM_001278616.2); c.2524A>G, p.Lys842Glu (NM_001278617.2); short protein forms K842E, K822E.
Identifiers: ClinVar variation 2586164 (VCV002586164.2), dbSNP rs2467972259, ClinGen allele CA348090470.

ClinVar aggregate classification (germline): Uncertain significance (1 of 4 stars; one submission).

Submission:

Ambry Genetics
Classification: Uncertain significance. Last evaluated: 2023-08-30. Review status: criteria provided, single submitter. Criteria: Ambry Variant Classification Scheme 2023. Collection method: clinical testing. Allele origin: germline.
Comment: The p.K842E variant (also known as c.2524A>G), located in coding exon 21 of the BUB1 gene, results from an A to G substitution at nucleotide position 2524. The lysine at codon 842 is replaced by glutamic acid, an amino acid with similar properties. This amino acid position is conserved. In addition, this alteration is predicted to be tolerated by in silico analysis. Since supporting evidence is limited at this time, the clinical significance of this alteration remains unclear.